The following is an entry in ClinVar:

ClinVar aggregate classification (germline): Uncertain significance (1 of 4 stars; one submission).

Allele frequency attached by ClinVar (database versions not stated): gnomAD 0.00003; TOPMed 0.00006; gnomAD exomes 0.00007; ExAC 0.00008; ESP Exome Variant Server 0.00008.
gnomAD v4.1: 95 of 1,548,280 alleles (0.0061%); highest among the groups gnomAD compares: South Asian, 0.012%; no homozygotes.

Submission:

Labcorp Genetics (formerly Invitae), Labcorp
Classification: Uncertain significance. Last evaluated: 2024-11-11. Review status: criteria provided, single submitter. Criteria: Invitae Variant Classification Sherloc (09022015). Collection method: clinical testing. Allele origin: germline.
Comment: This sequence change replaces arginine, which is basic and polar, with histidine, which is basic and polar, at codon 191 of the TCIRG1 protein (p.Arg191His). This variant is present in population databases (rs367703865, gnomAD 0.02%). This variant has not been reported in the literature in individuals affected with TCIRG1-related conditions. ClinVar contains an entry for this variant (Variation ID: 2083700). Invitae Evidence Modeling of protein sequence and biophysical properties (such as structural, functional, and spatial information, amino acid conservation, physicochemical variation, residue mobility, and thermodynamic stability) indicates that this missense variant is not expected to disrupt TCIRG1 protein function with a negative predictive value of 80%. In summary, the available evidence is currently insufficient to determine the role of this variant in disease. Therefore, it has been classified as a Variant of Uncertain Significance.

NM_006019.4(TCIRG1):c.572G>A (p.Arg191His)

Gene: TCIRG1 (T cell immune regulator 1, ATPase H+ transporting V0 subunit a3; plus strand). Cytogenetic location: 11q13.2.
Variant type: single nucleotide variant.
Coding change: c.572G>A on transcript NM_006019.4 (MANE Select); coding-DNA position 572, G replaced by A.
Protein change: p.Arg191His; replaces arginine 191 with histidine.
Molecular consequence: missense variant. On other transcripts: 5 prime UTR variant (2).
Genome position (GRCh38, 1-based): chr11:68,043,439, G>A. VCF-style: chr11-68043439-G-A. GRCh37 (hg19) VCF-style: chr11-67810906-G-A.
Other names: c.-339G>A (NM_001351059.2); c.-77G>A (NM_006053.4); short protein forms R191H.
Identifiers: ClinVar variation 2083700 (VCV002083700.2), dbSNP rs367703865, ClinGen allele CA6146746.